The following is an entry in ClinVar:

ClinVar aggregate classification (germline): Uncertain significance (1 of 4 stars; one submission).

Submission:

Clinical Genomics Laboratory, Laboratory for Precision Diagnostics, University of Washington
Classification: Uncertain significance. Last evaluated: 2021-06-16. Review status: criteria provided, single submitter. Criteria: ACMG/ClinGen CNV Guidelines, 2019. Collection method: clinical testing. Allele origin: unknown. Affected: yes. Observed: 1 variant allele.
Comment: The classification of this duplication is uncertain, per ACMGG interpretation standards. It affects protein-coding elements (Section 1, 0 points) but doesn’t overlap any known dosage sensitive genes or regions (Section 2, 0 points). Only one protein-coding gene is affected by the duplication (Section 3, 0 points). A review of public databases (ClinVar, DECIPHER) and the medical literature shows no reports of a similar duplication (Section 4, 0 points). No similar duplications appear in the Database of Genomic Variants (DGV) and gnomAD (Section 4O, 0 points). Parental testing has not been done (Section 5, 0 points).

GRCh38/hg38 14q31.3(chr14:85622971-86362092)x3

Genes: FLRT2 (fibronectin leucine rich transmembrane protein 2; plus strand), LINC02309 (long intergenic non-protein coding RNA 2309; plus strand), LINC02316 (long intergenic non-protein coding RNA 2316; minus strand), LINC02328 (long intergenic non-protein coding RNA 2328; plus strand), LOC125048454 (Sharpr-MPRA regulatory region 9105; plus strand) and 8 more. Cytogenetic location: 14q31.3.
Variant type: copy number gain.
Change: copy number 3 (three copies instead of two) of chr14:85,622,971-86,362,092 (739.1 kb, GRCh38 coordinates, 1-based), cytogenetic band 14q31.3.
Identifiers: ClinVar variation 4755337 (VCV004755337.1).